The following is an entry in ClinVar:

ClinVar aggregate classification (germline): Pathogenic/Likely pathogenic. Review status: criteria provided, multiple submitters, no conflicts (2 of 4 stars). 7 submissions from 7 submitters: Pathogenic (5); Likely pathogenic (1). 1 of the submissions does not count toward it. Last evaluated 2024-11-27.

Conditions:
Inborn genetic diseases. Identifiers: MedGen C0950123, MeSH D030342.
Charcot-Marie-Tooth disease. Also called: Charcot-Marie-Tooth Neuropathy; Charcot-Marie-Tooth Hereditary Neuropathy. Identifiers: Orphanet 166, MedGen C0007959, MONDO:0015626.
Charcot-Marie-Tooth Neuropathy X. Identifiers: MedGen CN118851.

Submissions (7):

Labcorp Genetics (formerly Invitae), Labcorp
Classification: Pathogenic for Charcot-Marie-Tooth Neuropathy X. Last evaluated: 2024-11-27. Review status: criteria provided, single submitter. Criteria: Invitae Variant Classification Sherloc (09022015). Collection method: clinical testing. Allele origin: germline.
Comment: This sequence change replaces valine, which is neutral and non-polar, with methionine, which is neutral and non-polar, at codon 38 of the GJB1 protein (p.Val38Met). This variant is not present in population databases (gnomAD no frequency). This missense change has been observed in individual(s) with X-linked dominant Charcot-Marie-Tooth disease (PMID: 7833935). ClinVar contains an entry for this variant (Variation ID: 245946). Invitae Evidence Modeling of protein sequence and biophysical properties (such as structural, functional, and spatial information, amino acid conservation, physicochemical variation, residue mobility, and thermodynamic stability) indicates that this missense variant is expected to disrupt GJB1 protein function with a positive predictive value of 95%. Experimental studies have shown that this missense change affects GJB1 function (PMID: 9354338, 12460545). This variant disrupts the p.Val38 amino acid residue in GJB1. Other variant(s) that disrupt this residue have been observed in individuals with GJB1-related conditions (PMID: 14991359, 28448691), which suggests that this may be a clinically significant amino acid residue. For these reasons, this variant has been classified as Pathogenic.

Athena Diagnostics
Classification: Pathogenic. Last evaluated: 2024-01-18. Review status: criteria provided, single submitter. Criteria: Athena Diagnostics Criteria. Collection method: clinical testing. Allele origin: unknown.
Comment: This variant has been identified in multiple unrelated individuals with clinical features associated with this gene. This variant was not reported in large, multi-ethnic, general populations. Assessment of experimental evidence suggests this variant results in abnormal protein function. (PMID: 12460545, 9354338)

Ambry Genetics
Classification: Likely pathogenic for Inborn genetic diseases. Last evaluated: 2024-01-05. Review status: criteria provided, single submitter. Criteria: Ambry Variant Classification Scheme 2023. Collection method: clinical testing. Allele origin: germline.
Comment: The c.112G>A (p.V38M) alteration is located in exon 2 (coding exon 1) of the GJB1 gene. This alteration results from a G to A substitution at nucleotide position 112, causing the valine (V) at amino acid position 38 to be replaced by a methionine (M). This variant was not reported in population-based cohorts in the Genome Aggregation Database (gnomAD). This alteration was detected in multiple individuals of a family with X-linked Charcot-Marie-Tooth disease and found to co-segregate with disease (Orth, 1994; Gal, 1985). This amino acid position is well conserved in available vertebrate species. In an assay testing GJB1 function, this variant showed a functionally abnormal result (Oh,1997; Yum, 2002). This alteration is predicted to be deleterious by in silico analysis. Based on the available evidence, this alteration is classified as likely pathogenic.

Mayo Clinic Laboratories, Mayo Clinic
Classification: Pathogenic. Last evaluated: 2023-05-30. Review status: criteria provided, single submitter. Criteria: ACMG Guidelines, 2015. Collection method: clinical testing. Allele origin: germline. Observed: 1 variant allele.
Comment: PP1_strong, PP3, PM1, PM2, PM5, PS3

ARUP Laboratories, Molecular Genetics and Genomics, ARUP Laboratories
Classification: Pathogenic. Last evaluated: 2017-12-26. Review status: criteria provided, single submitter. Criteria: ARUP Molecular Germline Variant Investigation Process. Collection method: clinical testing. Allele origin: germline.
Comment: The p.Val38Met was first reported in a single family with X-linked dominant Charcot-Marie-Tooth neuropathy (CMT), where the variant was demonstrated to segregate with disease (Orth 1994). This variant is in the first transmembrane domain of the GJB1 channel, and functional studies of the variant protein showed altered conductance-voltage compared to WT suggestive of channel closure (Oh 1998). Variants that change codon 38 to a different amino acid and others nearby have been reported in association with CMT (Hong 2017, Karadima 2004). The p.Val38Met is absent from general population databases such as 1000 Genomes, NHLBI GO Exome Sequencing Project (ESP), and the Genome Aggregation Database (gnomAD) and has been reported to the ClinVar database with a pathogenic classification (Variation ID: 245946). Altogether the p.Val38Met variant is considered to be pathogenic.

GeneDx
Classification: Pathogenic. Last evaluated: 2015-09-19. Review status: criteria provided, single submitter. Criteria: GeneDx Variant Classification (06012015). Collection method: clinical testing. Allele origin: germline. Affected: yes.
Comment: The V38M variant in the GJB1 gene has been reported previously in the Human Gene Mutation Database in association with Charcot-Marie-Tooth disease (Stenson et al., 2014). The V38M mutation was not observed in approximately 6500 individuals of European and African American ancestry in the NHLBI Exome Sequencing Project, indicating it is not a common benign variant in these populations. The V38M mutation is a conservative amino acid substitution, which occurs at a position where amino acids with similar properties to Valine are tolerated across species. A functional study showed that the V38M mutation alters conductance-voltage relation that would likely impact channel function, and an additional study showed that protein with the V38M variant was located in the Golgi apparatus rather than at the cell membrane (Oh et al., 1997; Yum et al., 2002).

Inherited Neuropathy Consortium
Classification: Uncertain significance for Charcot-Marie-Tooth disease. Review status: no assertion criteria provided. Collection method: literature only. Allele origin: germline. Affected: yes. Not counted in ClinVar's aggregate classification.

Literature cited by the submitters: PubMed 7833935 (cited by 5 submitters); PubMed 9354338 (cited by 4 submitters); PubMed 12460545 (cited by 4 submitters); PubMed 14991359 (cited by Labcorp Genetics (formerly Invitae), Labcorp and Mayo Clinic Laboratories, Mayo Clinic); PubMed 28448691 (cited by Labcorp Genetics (formerly Invitae), Labcorp and Mayo Clinic Laboratories, Mayo Clinic); PubMed 2987105 (cited by Ambry Genetics).

NM_000166.6(GJB1):c.112G>A (p.Val38Met)

Gene: GJB1 (gap junction protein beta 1; plus strand). Cytogenetic location: Xq13.1.
Variant type: single nucleotide variant.
Coding change: c.112G>A on transcript NM_000166.6 (MANE Select); coding-DNA position 112, G replaced by A.
Protein change: p.Val38Met; replaces valine 38 with methionine.
Molecular consequence: missense variant.
Genome position (GRCh38, 1-based): chrX:71,223,819, G>A. VCF-style: chrX-71223819-G-A. GRCh37 (hg19) VCF-style: chrX-70443669-G-A.
Other names: c.112G>A, p.Val38Met (NM_001097642.3); short protein forms V38M.
Identifiers: ClinVar variation 245946 (VCV000245946.21), dbSNP rs879254012, ClinGen allele CA10584634.
Genomic context (GRCh38, chrX:71,223,819, plus strand): 5'-ACTGCCATTGGCCGAGTATGGCTCTCGGTCATCTTCATCTTCAGAATCATGGTGCTGGTG[G>A]TGGCTGCAGAGAGTGTGTGGGGTGATGAGAAATCTTCCTTCATCTGCAACACACTCCAGC-3'
Protein context (NP_000157.1, residues 28-48): IFIFRIMVLV[Val38Met]AAESVWGDEK